The following is an entry in ClinVar:

NM_016203.4(PRKAG2):c.755-8del

Gene: PRKAG2 (protein kinase AMP-activated non-catalytic subunit gamma 2; minus strand). Cytogenetic location: 7q36.1.
Variant type: Deletion.
Coding change: c.755-8del on transcript NM_016203.4 (MANE Select); 8 bases into the intron before coding-DNA position 755, one base deleted (T; older notation c.755-8delT).
Molecular consequence: intron variant.
Genome position (GRCh38, 1-based): chr7:151,595,462, A deleted on the plus strand (T on the coding strand, the reverse complement: PRKAG2 is on the minus strand); the first of 7 consecutive A bases (chr7:151,595,462-151,595,468); deleting any one gives the same sequence. VCF-style (leftmost placement, unchanged base first): chr7-151595461-GA-G. GRCh37 (hg19) VCF-style: chr7-151292547-GA-G.
Other names: c.467-11del (NM_001407031.1); c.467-8del (NM_001407030.1); c.755-11del (NM_001407023.1, NM_001407022.1); c.755-8del (NM_001407021.1); c.437-8del (NM_001407032.1); c.623-11del (NM_001407026.1, NM_001407027.1); c.623-8del (NM_001040633.2, NM_001407024.1); c.431-8del (NM_001407033.1); and 6 more.
Identifiers: ClinVar variation 3074084 (VCV003074084.1), dbSNP rs1814255727, ClinGen allele CA2685700911.

ClinVar aggregate classification (germline): Uncertain significance (1 of 4 stars; one submission).

Conditions:
Hypertrophic cardiomyopathy. Also called: HYPERTROPHIC MYOCARDIOPATHY. Identifiers: Orphanet 217569, MedGen C0007194, MeSH D002312, MONDO:0005045, HP:0001639.

Submission:

All of Us Research Program, National Institutes of Health
Classification: Uncertain significance for Hypertrophic cardiomyopathy. Last evaluated: 2023-10-23. Review status: criteria provided, single submitter. Criteria: ACMG Guidelines, 2015. Collection method: clinical testing. Allele origin: germline. Inheritance: Autosomal dominant inheritance. Observed: 1 variant allele, 1 heterozygote.
Comment: This variant causes deletion in intron 5 of the PRKAG2 gene. To our knowledge, functional studies have not been reported for this variant. This variant has not been reported in individuals affected with PRKAG2-related disorders in the literature. This variant has not been identified in the general population by the Genome Aggregation Database (gnomAD). The available evidence is insufficient to determine the role of this variant in disease conclusively. Therefore, this variant is classified as a Variant of Uncertain Significance.

This study involves interpretation of variants in research participants for the purpose of population health screening. Participant phenotype was not available at the time of variant classification. Additional details can be found in publication PMID: 35346344, PMCID: PMC8962531